The following is an entry in ClinVar:

NM_002860.4(ALDH18A1):c.1802-4_1924-902delinsG

Genes: ALDH18A1 (aldehyde dehydrogenase 18 family member A1; minus strand), LOC121815958 (Sharpr-MPRA regulatory region 3716; plus strand). Cytogenetic location: 10q24.1.
Variant type: Indel.
Coding change: c.1802-4_1924-902delinsG on transcript NM_002860.4 (MANE Select); 4 bases into the intron before coding-DNA position 1802 through 902 bases into the intron before coding-DNA position 1924, the reference bases replaced by G.
Molecular consequence: splice acceptor variant, splice donor variant.
Genome position (GRCh38, 1-based): chr10:95,612,344-95,613,867, 1,524 bases replaced. GRCh37 (hg19): chr10:97,372,101-97,373,624.
Other names: c.1166-4_1288-902delinsG (NM_001323419.2); c.1469-4_1591-902delinsG (NM_001323412.2, NM_001323416.2); c.1697-4_1819-902delinsG (NM_001323417.2); c.1796-4_1918-902delinsG (NM_001017423.2, NM_001323415.2); c.1463-4_1585-902delinsG (NM_001323418.2); c.1802-4_1924-902delinsG (NM_001323413.2, NM_001323414.2).
Identifiers: ClinVar variation 2627898 (VCV002627898.1), ClinGen allele CA2586963926.

ClinVar aggregate classification (germline): Pathogenic (0 of 4 stars; one submission).

Conditions:
ALDH18A1-related de Barsy syndrome. Also called: DE BARSY SYNDROME A; Cutis laxa, autosomal recessive IIIA. Identifiers: Orphanet 2962, Orphanet 35664, MedGen C5234852, MONDO:0009053, OMIM 219150.

Submission:

OMIM
Classification: Pathogenic for CUTIS LAXA, AUTOSOMAL RECESSIVE, TYPE IIIA. Last evaluated: 2014-08-01. Review status: no assertion criteria provided. Collection method: literature only. Allele origin: germline.

Literature cited by the submitters: PubMed 24913064.